The following is an entry in ClinVar:

ClinVar aggregate classification (germline): Pathogenic (1 of 4 stars; one submission).

Conditions:
Ciliopathy. Also called: Ciliopathies. Identifiers: Orphanet 363250, MedGen C4277690, MONDO:0005308, MeSH D000072661.

Submission:

Myriad Genetics, Inc.
Classification: Pathogenic for Ciliopathy. Last evaluated: 2023-09-27. Review status: criteria provided, single submitter. Criteria: Myriad Autosomal Dominant, Autosomal Recessive and X-Linked Classification Criteria (2023). Collection method: clinical testing. Allele origin: unknown.
Comment: NM_017777.3(MKS1):c.648_649delTG(G217Lfs*2) is expected to be pathogenic in the context of MKS1-related disorders. This variant is predicted to lead to an abnormal or absent protein product due to the creation of a premature termination codon in MKS1, a gene where loss-of-function variants are known to be pathogenic. Please note: this variant was assessed in the context of healthy population screening.

NM_017777.4(MKS1):c.648_649del (p.Gly217fs)

Gene: MKS1 (MKS transition zone complex subunit 1; minus strand). Cytogenetic location: 17q22.
Variant type: Deletion.
Coding change: c.648_649del on transcript NM_017777.4 (MANE Select); coding-DNA positions 648 to 649, 2 bases deleted (TG; older notation c.648_649delTG).
Protein change: p.Gly217fs; shifts the reading frame from glycine 217.
Molecular consequence: frameshift variant.
Genome position (GRCh38, 1-based): chr17:58,213,865-58,213,866, CA deleted on the plus strand (TG on the coding strand, the reverse complement: MKS1 is on the minus strand). VCF-style (leftmost placement, unchanged base first): chr17-58213864-CCA-C. GRCh37 (hg19) VCF-style: chr17-56291225-CCA-C.
Other names: c.39_40del, p.Gly14fs (NM_001321268.2); c.648_649del, p.Gly217fs (NM_001321269.2, NM_001330397.2, NM_001411113.1); short protein forms G14fs, G217fs.
Identifiers: ClinVar variation 5011737 (VCV005011737.1).